The following is an entry in ClinVar:

ClinVar aggregate classification (germline): Conflicting classifications of pathogenicity. Review status: criteria provided, conflicting classifications (1 of 4 stars). 9 submissions from 9 submitters: Uncertain significance (1); Benign (4); Likely benign (4). Last evaluated 2025-12-31.

Conditions:
Tuberous sclerosis syndrome (TSC). Also called: Tuberous Sclerosis Complex; Tuberous sclerosis. Identifiers: Orphanet 805, MedGen C0041341, MONDO:0001734.
Hereditary cancer-predisposing syndrome. Also called: Hereditary neoplastic syndrome; Tumor predisposition; Hereditary Cancer Syndrome; Neoplastic Syndromes, Hereditary. Identifiers: Orphanet 140162, MedGen C0027672, MeSH D009386, MONDO:0015356.
Tuberous sclerosis 2 (TSC2). Identifiers: Orphanet 805, MedGen C1860707, MONDO:0013199, OMIM 613254.

Allele frequency attached by ClinVar (database versions not stated): gnomAD 0.00002 and 0.00005; gnomAD exomes 0.00002 and 0.00007; TOPMed 0.00004; ExAC 0.00012; 1000 Genomes Project 30x 0.00062; 1000 Genomes Project 0.00080.
gnomAD v4.1: 44 of 1,613,174 alleles (0.0027%); highest among the groups gnomAD compares: South Asian, 0.021%; no homozygotes.

Submissions (9):

Labcorp Genetics (formerly Invitae), Labcorp
Classification: Benign for Tuberous sclerosis 2. Last evaluated: 2025-12-31. Review status: criteria provided, single submitter. Criteria: Invitae Variant Classification Sherloc (09022015). Collection method: clinical testing. Allele origin: germline.

Myriad Genetics, Inc.
Classification: Benign for Tuberous sclerosis 2. Last evaluated: 2025-05-15. Review status: criteria provided, single submitter. Criteria: Myriad Autosomal Dominant, Autosomal Recessive and X-Linked Classification Criteria (2023). Collection method: clinical testing. Allele origin: unknown.
Comment: This variant is considered benign. This variant is a silent/synonymous amino acid change and it is not expected to impact splicing.

All of Us Research Program, National Institutes of Health
Classification: Benign for Tuberous sclerosis syndrome. Last evaluated: 2023-10-02. Review status: criteria provided, single submitter. Criteria: ACMG Guidelines, 2015. Collection method: clinical testing. Allele origin: germline. Inheritance: Autosomal dominant inheritance. Observed: 8 variant alleles, 8 heterozygotes.
Comment: This study involves interpretation of variants in research participants for the purpose of population health screening. Participant phenotype was not available at the time of variant classification. Additional details can be found in publication PMID: 35346344, PMCID: PMC8962531

Sema4
Classification: Benign for Hereditary cancer-predisposing syndrome. Last evaluated: 2022-01-05. Review status: criteria provided, single submitter. Criteria: Sema4 Curation Guidelines. Collection method: curation. Allele origin: germline.

Genome-Nilou Lab
Classification: Likely benign for Tuberous sclerosis 2. Last evaluated: 2021-11-07. Review status: criteria provided, single submitter. Criteria: ACMG Guidelines, 2015. Collection method: clinical testing. Allele origin: germline. Affected: no.

GeneDx
Classification: Likely benign. Last evaluated: 2020-05-04. Review status: criteria provided, single submitter. Criteria: GeneDx Variant Classification Process June 2021. Collection method: clinical testing. Allele origin: germline. Affected: yes.

Ambry Genetics
Classification: Likely benign for Hereditary cancer-predisposing syndrome. Last evaluated: 2019-12-18. Review status: criteria provided, single submitter. Criteria: Ambry Variant Classification Scheme 2023. Collection method: clinical testing. Allele origin: germline.

Blueprint Genetics
Classification: Likely benign. Last evaluated: 2019-08-08. Review status: criteria provided, single submitter. Criteria: ACMG Guidelines, 2015. Collection method: clinical testing. Allele origin: germline.

Eurofins Ntd Llc (ga)
Classification: Uncertain significance. Last evaluated: 2016-03-24. Review status: criteria provided, single submitter. Criteria: EGL Classification Definitions 2015. Collection method: clinical testing. Allele origin: germline. Observed: 1 variant allele, 1 heterozygote.

NM_000548.5(TSC2):c.1818C>T (p.Ile606=)

Gene: TSC2 (TSC complex subunit 2; plus strand). Cytogenetic location: 16p13.3.
Variant type: single nucleotide variant.
Coding change: c.1818C>T on transcript NM_000548.5 (MANE Select); coding-DNA position 1818, C replaced by T.
Protein change: p.Ile606=; no amino-acid change (isoleucine 606 retained).
Molecular consequence: synonymous variant.
Genome position (GRCh38, 1-based): chr16:2,070,557, C>T. VCF-style: chr16-2070557-C-T. GRCh37 (hg19) VCF-style: chr16-2120558-C-T.
Other names: c.1818C>T, p.Ile606= (NM_001077183.3, NM_001114382.3, NM_001363528.2 and 3 more transcripts); c.1707C>T, p.Ile569= (NM_001318827.2); c.1671C>T, p.Ile557= (NM_001318829.2); c.1218C>T, p.Ile406= (NM_001318831.2); c.1851C>T, p.Ile617= (NM_001318832.2).
Identifiers: ClinVar variation 286970 (VCV000286970.37), dbSNP rs547389841, ClinGen allele CA033655.